The following is an entry in ClinVar:

NM_001001548.3(CD36):c.430-4G>A

Gene: CD36 (CD36 molecule (CD36 blood group); plus strand). Cytogenetic location: 7q21.11.
Variant type: single nucleotide variant.
Coding change: c.430-4G>A on transcript NM_001001548.3 (MANE Select); 4 bases into the intron before coding-DNA position 430, G replaced by A.
Molecular consequence: intron variant. On other transcripts: 5 prime UTR variant (1).
Genome position (GRCh38, 1-based): chr7:80,662,986, G>A. VCF-style: chr7-80662986-G-A. GRCh37 (hg19) VCF-style: chr7-80292302-G-A.
Other names: c.-40G>A (NM_001371081.1); c.430-4G>A (NM_001371075.1, NM_001001547.3, NM_001371074.1 and 6 more transcripts); c.202-4G>A (NM_001289911.2); c.-36-4G>A (NM_001371080.1); c.328-4G>A (NM_001371079.1); c.430-1420G>A (NM_001289909.1).
Identifiers: ClinVar variation 4982567 (VCV004982567.1).
Genomic context (GRCh38, chr7:80,662,986, plus strand): 5'-ATCCATTTATTTGTTAAAATCTAATATTGTATTCTTGTCTTAAACAGTGACTTTGTTTTT[G>A]TAGGCTGCATCCCATATCTATCAAAATCAATTTGTTCAAATGATCCTCAATTCACTTATT-3'

ClinVar aggregate classification (germline): Likely benign (1 of 4 stars; one submission).

Conditions:
CD36-related disorder. Also called: CD36-related disorders; CD36-related condition.

gnomAD v4.1: 70 of 1,608,370 alleles (0.0044%); highest among the groups gnomAD compares: Non-Finnish European, 0.00085%; no homozygotes.

Submission:

PreventionGenetics, part of Exact Sciences
Classification: Likely benign for CD36-related condition. Last evaluated: 2026-05-07. Review status: criteria provided, single submitter. Criteria: ACMG Guidelines, 2015. Collection method: clinical testing. Allele origin: germline.
Comment: This variant is classified as likely benign based on ACMG/AMP sequence variant interpretation guidelines (Richards et al. 2015 PMID: 25741868, with internal and published modifications).